The following is an entry in ClinVar:

ClinVar aggregate classification (germline): Pathogenic (1 of 4 stars; one submission).

Conditions:
DPM3-congenital disorder of glycosylation (MDDGC15). Also called: DPM3-CDG; CDG Io; CDG1(DPM3); MUSCULAR DYSTROPHY-DYSTROGLYCANOPATHY (LIMB-GIRDLE), TYPE C, 15. Identifiers: Orphanet 263494, MedGen C2752007, MONDO:0013049, OMIM 612937.

Submission:

Labcorp Genetics (formerly Invitae), Labcorp
Classification: Pathogenic for DPM3-congenital disorder of glycosylation. Last evaluated: 2020-10-19. Review status: criteria provided, single submitter. Criteria: Invitae Variant Classification Sherloc (09022015). Collection method: clinical testing. Allele origin: germline.
Comment: This variant is not present in population databases (ExAC no frequency). For these reasons, this variant has been classified as Pathogenic. This variant disrupts the C-terminus of the DPM3 protein. Other variant(s) that disrupt this region (p.Leu85*) have been determined to be pathogenic (PMID: 31469168, Invitae). This suggests that variants that disrupt this region of the protein are likely to be causative of disease. This variant has not been reported in the literature in individuals with DPM3-related conditions. This sequence change creates a premature translational stop signal (p.Gln77*) in the DPM3 gene. While this is not anticipated to result in nonsense mediated decay, it is expected to disrupt the last 16 amino acid(s) of the DPM3 protein.

Literature cited by the submitters: PubMed 31469168.

NM_153741.2(DPM3):c.229C>T (p.Gln77Ter)

Gene: DPM3 (dolichyl-phosphate mannosyltransferase subunit 3, regulatory; minus strand). Cytogenetic location: 1q22.
Variant type: single nucleotide variant.
Coding change: c.229C>T on transcript NM_153741.2 (MANE Select); coding-DNA position 229, C replaced by T.
Protein change: p.Gln77Ter; replaces glutamine 77 with a stop codon.
Molecular consequence: nonsense.
Genome position (GRCh38, 1-based): chr1:155,140,012, G>A on the plus strand (C>T on the coding strand, the complement: DPM3 is on the minus strand). VCF-style: chr1-155140012-G-A. GRCh37 (hg19) VCF-style: chr1-155112488-G-A.
Other names: c.319C>T, p.Gln107Ter (NM_018973.4); short protein forms Q107*, Q77*.
Identifiers: ClinVar variation 1074098 (VCV001074098.9), dbSNP rs2102491600, ClinGen allele CA342662751.